The following is an entry in ClinVar:

ClinVar aggregate classification (germline): Pathogenic (1 of 4 stars; one submission).

Conditions:
Developmental and epileptic encephalopathy, 34 (DEE34). Also called: SLC12A5-Related Epilepsy of Infancy with Migrating Focal Seizures; Early infantile epileptic encephalopathy 34. Identifiers: Orphanet 293181, MedGen C4225257, MONDO:0014718, OMIM 616645.

Submission:

Labcorp Genetics (formerly Invitae), Labcorp
Classification: Pathogenic for Developmental and epileptic encephalopathy, 34. Last evaluated: 2022-09-27. Review status: criteria provided, single submitter. Criteria: Invitae Variant Classification Sherloc (09022015). Collection method: clinical testing. Allele origin: germline.
Comment: For these reasons, this variant has been classified as Pathogenic. This variant has not been reported in the literature in individuals affected with SLC12A5-related conditions. This variant is not present in population databases (gnomAD no frequency). This sequence change creates a premature translational stop signal (p.Val1054*) in the SLC12A5 gene. It is expected to result in an absent or disrupted protein product. Loss-of-function variants in SLC12A5 are known to be pathogenic (PMID: 26333769, 27436767).

Literature cited by the submitters: PubMed 26333769; PubMed 27436767.

NM_020708.5(SLC12A5):c.3159_3180del (p.Ala1053_Val1054insTer)

Gene: SLC12A5 (solute carrier family 12 member 5; plus strand). Cytogenetic location: 20q13.12.
Variant type: Deletion.
Coding change: c.3159_3180del on transcript NM_020708.5 (MANE Select); coding-DNA positions 3159 to 3180, 22 bases deleted (CGTGCGGCTGAACGAGGTCATC).
Protein change: p.Ala1053_Val1054insTer.
Molecular consequence: frameshift variant.
Genome position (GRCh38, 1-based): chr20:46,057,203-46,057,224, CGTGCGGCTGAACGAGGTCATC deleted; deleting any 22 consecutive bases within chr20:46,057,202-46,057,224 gives the same sequence; the c. name uses the placement nearest the transcript's 3' end. VCF-style (leftmost placement, unchanged base first): chr20-46057201-GCCGTGCGGCTGAACGAGGTCAT-G. GRCh37 (hg19) VCF-style: chr20-44685840-GCCGTGCGGCTGAACGAGGTCAT-G.
Other names: c.3228_3249del, p.Ala1076_Val1077insTer (NM_001134771.2).
Identifiers: ClinVar variation 2054215 (VCV002054215.4), dbSNP rs2515654961, ClinGen allele CA2580098274.